The following is an entry in ClinVar:

ClinVar aggregate classification (germline): Uncertain significance (1 of 4 stars; one submission).

Conditions:
Ehlers-Danlos syndrome due to tenascin-X deficiency (EDSCLL1). Also called: EHLERS-DANLOS SYNDROME, CLASSIC-LIKE; Ehlers-Danlos syndrome, classic-like, 1; EDS DUE TO TNX DEFICIENCY; TNX DEFICIENCY; TNXB-Related Classical-Like Ehlers-Danlos Syndrome. Identifiers: Orphanet 230839, MedGen C1848029, MONDO:0011670, OMIM 606408.

Submission:

Myriad Genetics, Inc.
Classification: Uncertain significance for Ehlers-Danlos syndrome due to tenascin-X deficiency. Last evaluated: 2025-12-08. Review status: criteria provided, single submitter. Criteria: Myriad Autosomal Dominant, Autosomal Recessive and X-Linked Classification Criteria (2023). Collection method: clinical testing. Allele origin: unknown.
Comment: NM_019105.6(TNXB):c.6573_6578del6(L2192_A2193del) is an in-frame deletion classified as a variant of uncertain significance in the context of classical-like Ehlers-Danlos syndrome, TNXB-related. L2192_A2193del has not been observed in cases with relevant disease. Relevant functional assessments of this variant are not available in the literature. L2192_A2193del has been observed in referenced population frequency databases. In summary, there is insufficient evidence to classify NM_019105.6(TNXB):c.6573_6578del6(L2192_A2193del) as pathogenic or benign. Please note: this variant was assessed in the context of healthy population screening.

NM_001365276.2(TNXB):c.6573_6578del (p.Leu2192_Ala2193del)

Gene: TNXB (tenascin XB; minus strand). Cytogenetic location: 6p21.33.
Variant type: Deletion.
Coding change: c.6573_6578del on transcript NM_001365276.2 (MANE Select); coding-DNA positions 6573 to 6578, 6 bases deleted (TCTTGC; older notation c.6573_6578delTCTTGC).
Protein change: p.Leu2192_Ala2193del.
Molecular consequence: inframe deletion.
Genome position (GRCh38, 1-based): chr6:32,065,084-32,065,089, GCAAGA deleted on the plus strand (TCTTGC on the coding strand, the reverse complement: TNXB is on the minus strand); deleting any 6 consecutive bases within chr6:32,065,084-32,065,090 gives the same sequence; the c. name uses the placement nearest the transcript's 3' end. VCF-style (leftmost placement, unchanged base first): chr6-32065083-TGCAAGA-T. GRCh37 (hg19) VCF-style: chr6-32032860-TGCAAGA-T.
Other names: c.7314_7319del, p.Leu2439_Ala2440del (NM_001428335.1); c.6573_6578del, p.Leu2192_Ala2193del (NM_019105.8).
Identifiers: ClinVar variation 5004317 (VCV005004317.1).